The following is an entry in ClinVar:

NM_024675.4(PALB2):c.1664A>G (p.Lys555Arg)

Gene: PALB2 (partner and localizer of BRCA2; minus strand). Cytogenetic location: 16p12.2.
Variant type: single nucleotide variant.
Coding change: c.1664A>G on transcript NM_024675.4 (MANE Select); coding-DNA position 1664, A replaced by G.
Protein change: p.Lys555Arg; replaces lysine 555 with arginine.
Molecular consequence: missense variant.
Genome position (GRCh38, 1-based): chr16:23,634,882, T>C on the plus strand (A>G on the coding strand, the complement: PALB2 is on the minus strand). VCF-style: chr16-23634882-T-C. GRCh37 (hg19) VCF-style: chr16-23646203-T-C.
Other names: short protein forms K555R.
Identifiers: ClinVar variation 484243 (VCV000484243.17), dbSNP rs1555461163, ClinGen allele CA395130031.

ClinVar aggregate classification (germline): Uncertain significance. Review status: criteria provided, multiple submitters, no conflicts (2 of 4 stars). 3 submissions from 3 submitters: Uncertain significance (3). Last evaluated 2024-03-06.

Conditions:
Hereditary cancer-predisposing syndrome. Also called: Neoplastic Syndromes, Hereditary; Tumor predisposition; Hereditary Cancer Syndrome; Hereditary neoplastic syndrome. Identifiers: Orphanet 140162, MedGen C0027672, MeSH D009386, MONDO:0015356.
Familial cancer of breast. Also called: BREAST CANCER, FAMILIAL; Hereditary breast cancer; hereditary breast carcinoma. Identifiers: Orphanet 227535, MedGen C0346153, MONDO:0016419, OMIM 114480. Disease mechanism: loss of function.

Submissions (3):

Color Diagnostics, LLC DBA Color Health
Classification: Uncertain significance for Hereditary cancer-predisposing syndrome. Last evaluated: 2024-03-06. Review status: criteria provided, single submitter. Criteria: ACMG Guidelines, 2015. Collection method: clinical testing. Allele origin: germline.
Comment: This missense variant replaces lysine with arginine at codon 555 of the PALB2 protein. Computational prediction is inconclusive regarding the impact of this variant on protein structure and function (internally defined REVEL score threshold 0.5 < inconclusive < 0.7, PMID: 27666373). To our knowledge, functional studies have not been reported for this variant. This variant has not been reported in individuals affected with hereditary cancer in the literature. This variant has not been identified in the general population by the Genome Aggregation Database (gnomAD). The available evidence is insufficient to determine the role of this variant in disease conclusively. Therefore, this variant is classified as a Variant of Uncertain Significance.

Labcorp Genetics (formerly Invitae), Labcorp
Classification: Uncertain significance for Familial cancer of breast. Last evaluated: 2021-09-29. Review status: criteria provided, single submitter. Criteria: Invitae Variant Classification Sherloc (09022015). Collection method: clinical testing. Allele origin: germline.
Comment: In summary, the available evidence is currently insufficient to determine the role of this variant in disease. Therefore, it has been classified as a Variant of Uncertain Significance. Algorithms developed to predict the effect of missense changes on protein structure and function (SIFT, PolyPhen-2, Align-GVGD) all suggest that this variant is likely to be tolerated. ClinVar contains an entry for this variant (Variation ID: 484243). This variant has not been reported in the literature in individuals affected with PALB2-related conditions. This variant is not present in population databases (ExAC no frequency). This sequence change replaces lysine with arginine at codon 555 of the PALB2 protein (p.Lys555Arg). The lysine residue is moderately conserved and there is a small physicochemical difference between lysine and arginine.

Ambry Genetics
Classification: Uncertain significance for Hereditary cancer-predisposing syndrome. Last evaluated: 2017-08-29. Review status: criteria provided, single submitter. Criteria: Ambry Variant Classification Scheme 2023. Collection method: clinical testing. Allele origin: germline.
Comment: The p.K555R variant (also known as c.1664A>G), located in coding exon 4 of the PALB2 gene, results from an A to G substitution at nucleotide position 1664. The lysine at codon 555 is replaced by arginine, an amino acid with highly similar properties. This amino acid position is not well conserved in available vertebrate species. In addition, this alteration is predicted to be tolerated by in silico analysis. Since supporting evidence is limited at this time, the clinical significance of this alteration remains unclear.